The following is an entry in ClinVar:

NM_001276345.2(TNNT2):c.709G>C (p.Asp237His)

Gene: TNNT2 (troponin T2, cardiac type; minus strand). Cytogenetic location: 1q32.1.
Variant type: single nucleotide variant.
Coding change: c.709G>C on transcript NM_001276345.2 (MANE Select); coding-DNA position 709, G replaced by C.
Protein change: p.Asp237His; replaces aspartic acid 237 with histidine.
Molecular consequence: missense variant.
Genome position (GRCh38, 1-based): chr1:201,361,923, C>G on the plus strand (G>C on the coding strand, the complement: TNNT2 is on the minus strand). VCF-style: chr1-201361923-C-G. GRCh37 (hg19) VCF-style: chr1-201331051-C-G.
Other names: c.700G>C, p.Asp234His (NM_000364.4); c.679G>C, p.Asp227His (NM_001001430.3, NM_001276347.2); c.670G>C, p.Asp224His (NM_001001431.3); c.661G>C, p.Asp221His (NM_001001432.3); c.580G>C, p.Asp194His (NM_001276346.2); short protein forms D194H, D221H, D224H, D227H, D234H, D237H.
Identifiers: ClinVar variation 1171967 (VCV001171967.3), dbSNP rs867035950, ClinGen allele CA344203534.

ClinVar aggregate classification (germline): Uncertain significance (1 of 4 stars; one submission).

Conditions:
Cardiomyopathy (CMYO). Also called: Cardiomyopathies. Identifiers: Orphanet 167848, MedGen C0878544, MONDO:0004994, HP:0001638. Inheritance: Various modes of inheritance.

Submission:

Color Diagnostics, LLC DBA Color Health
Classification: Uncertain significance for Cardiomyopathy. Last evaluated: 2024-03-07. Review status: criteria provided, single submitter. Criteria: ACMG Guidelines, 2015. Collection method: clinical testing. Allele origin: germline.
Comment: This missense variant replaces aspartic acid with histidine at codon 227 of the TNNT2 protein. Computational prediction suggests that this variant may have deleterious impact on protein structure and function (internally defined REVEL score threshold >= 0.7, PMID: 27666373). To our knowledge, functional studies have not been reported for this variant. This variant has not been reported in individuals affected with cardiovascular disorders in the literature. This variant has not been identified in the general population by the Genome Aggregation Database (gnomAD). The available evidence is insufficient to determine the role of this variant in disease conclusively. Therefore, this variant is classified as a Variant of Uncertain Significance.